The following is an entry in ClinVar:

ClinVar aggregate classification (germline): Uncertain significance (1 of 4 stars; one submission).

Conditions:
Syndromic multisystem autoimmune disease due to ITCH deficiency. Also called: AUTOIMMUNE DISEASE, MULTISYSTEM, WITH FACIAL DYSMORPHISM. Identifiers: Orphanet 228426, MedGen C3150649, MONDO:0013245, OMIM 613385.

Submission:

Labcorp Genetics (formerly Invitae), Labcorp
Classification: Uncertain significance for Syndromic multisystem autoimmune disease due to ITCH deficiency. Last evaluated: 2022-02-28. Review status: criteria provided, single submitter. Criteria: Invitae Variant Classification Sherloc (09022015). Collection method: clinical testing. Allele origin: germline.
Comment: In summary, the available evidence is currently insufficient to determine the role of this variant in disease. Therefore, it has been classified as a Variant of Uncertain Significance. Algorithms developed to predict the effect of sequence changes on RNA splicing suggest that this variant may disrupt the consensus splice site. This variant has not been reported in the literature in individuals affected with ITCH-related conditions. This variant is not present in population databases (gnomAD no frequency). This sequence change falls in intron 8 of the ITCH gene. It does not directly change the encoded amino acid sequence of the ITCH protein.

NM_031483.7(ITCH):c.679+7A>G

Gene: ITCH (itchy E3 ubiquitin protein ligase; plus strand). Cytogenetic location: 20q11.22.
Variant type: single nucleotide variant.
Coding change: c.679+7A>G on transcript NM_031483.7 (MANE Select); 7 bases into the intron after coding-DNA position 679, A replaced by G.
Molecular consequence: intron variant.
Genome position (GRCh38, 1-based): chr20:34,438,638, A>G. VCF-style: chr20-34438638-A-G. GRCh37 (hg19) VCF-style: chr20-33026443-A-G.
Other names: c.802+7A>G (NM_001324197.2, NM_001257137.3); c.679+7A>G (NM_001324198.2); c.349+7A>G (NM_001257138.3).
Identifiers: ClinVar variation 2104745 (VCV002104745.4), dbSNP rs2515665548, ClinGen allele CA2580098103.
Genomic context (GRCh38, chr20:34,438,638, plus strand): 5'-CTTCTAGACCTCCAAGACCTTCACGACCACCACCACCCACCCCACGTAGACCAGGTTTGT[A>G]TTCCAGCTCTCAATACTCTTGGAAATAATGTCCTGGTTGGCAATTAATCCTCAGGTAAGT-3'